The following is an entry in ClinVar:

ClinVar aggregate classification (germline): Benign. Review status: criteria provided, multiple submitters, no conflicts (2 of 4 stars). 2 submissions from 2 submitters: Benign (2). Last evaluated 2018-06-14.

Allele frequency attached by ClinVar (database versions not stated): 1000 Genomes Project 30x 0.25000; 1000 Genomes Project 0.25160; TOPMed 0.25988; gnomAD 0.27166 and 0.27440.
gnomAD v4.1: 41,295 of 151,958 alleles (27%); highest among the groups gnomAD compares: Non-Finnish European, 30%; 5,694 homozygotes.

Submissions (2):

GeneDx
Classification: Benign. Last evaluated: 2018-06-14. Review status: criteria provided, single submitter. Criteria: GeneDx Variant Classification (06012015). Collection method: clinical testing. Allele origin: germline. Affected: yes.
Comment: This variant is considered likely benign or benign based on one or more of the following criteria: it is a conservative change, it occurs at a poorly conserved position in the protein, it is predicted to be benign by multiple in silico algorithms, and/or has population frequency not consistent with disease.

Breakthrough Genomics
Classification: Benign. Review status: criteria provided, single submitter. Criteria: ACMG Guidelines, 2015. Collection method: not provided. Allele origin: germline. Inheritance: Autosomal recessive inheritance. Affected: yes.

NM_078470.6(COX15):c.832+194A>C

Gene: COX15 (cytochrome c oxidase assembly homolog COX15; minus strand). Cytogenetic location: 10q24.2.
Variant type: single nucleotide variant.
Coding change: c.832+194A>C on transcript NM_078470.6 (MANE Select); 194 bases into the intron after coding-DNA position 832, A replaced by C.
Molecular consequence: intron variant.
Genome position (GRCh38, 1-based): chr10:99,720,793, T>G on the plus strand (A>C on the coding strand, the complement: COX15 is on the minus strand). VCF-style: chr10-99720793-T-G. GRCh37 (hg19) VCF-style: chr10-101480550-T-G.
Other names: c.832+194A>C (NM_001320974.2, NM_001372028.1, NM_001320975.2 and 4 more transcripts); c.295+194A>C (NM_001320976.2); c.805+221A>C (NM_001372026.1).
Identifiers: ClinVar variation 674635 (VCV000674635.2), dbSNP rs3740077, ClinGen allele CA15634735.